The following is an entry in ClinVar:

ClinVar aggregate classification (germline): Uncertain significance (1 of 4 stars; one submission).

Conditions:
Ataxia-telangiectasia syndrome (AT). Also called: LOUIS-BAR SYNDROME; Cerebello-oculocutaneous telangiectasia; Immunodeficiency with ataxia telangiectasia; Ataxia telangiectasia (A-T); ATAXIA-TELANGIECTASIA, COMPLEMENTATION GROUP A; ATAXIA-TELANGIECTASIA, FRESNO VARIANT. Identifiers: Orphanet 100, MedGen C0004135, MONDO:0008840, OMIM 208900.

Submission:

Labcorp Genetics (formerly Invitae), Labcorp
Classification: Uncertain significance for Ataxia-telangiectasia syndrome. Last evaluated: 2023-04-11. Review status: criteria provided, single submitter. Criteria: Invitae Variant Classification Sherloc (09022015). Collection method: clinical testing. Allele origin: germline.
Comment: This variant is not present in population databases (gnomAD no frequency). This variant has not been reported in the literature in individuals affected with ATM-related conditions. An algorithm developed to predict the effect of missense changes on protein structure and function (PolyPhen-2) suggests that this variant is likely to be tolerated. Algorithms developed to predict the effect of sequence changes on RNA splicing suggest that this variant may disrupt the consensus splice site. In summary, the available evidence is currently insufficient to determine the role of this variant in disease. Therefore, it has been classified as a Variant of Uncertain Significance. This sequence change replaces aspartic acid, which is acidic and polar, with glycine, which is neutral and non-polar, at codon 1853 of the ATM protein (p.Asp1853Gly).

NM_000051.4(ATM):c.5558A>G (p.Asp1853Gly)

Gene: ATM (ATM serine/threonine kinase; plus strand). Cytogenetic location: 11q22.3.
Variant type: single nucleotide variant.
Coding change: c.5558A>G on transcript NM_000051.4 (MANE Select); coding-DNA position 5558, A replaced by G.
Protein change: p.Asp1853Gly; replaces aspartic acid 1853 with glycine.
Molecular consequence: missense variant.
Genome position (GRCh38, 1-based): chr11:108,304,736, A>G. VCF-style: chr11-108304736-A-G. GRCh37 (hg19) VCF-style: chr11-108175463-A-G.
Other names: c.5558A>G, p.Asp1853Gly (NM_001351834.2); short protein forms D1853G.
Identifiers: ClinVar variation 2853777 (VCV002853777.3), dbSNP rs1801673, ClinGen allele CA382546022.